The following is an entry in ClinVar:

NM_000057.4(BLM):c.3557A>G (p.Lys1186Arg)

Gene: BLM (BLM RecQ like helicase; plus strand). Cytogenetic location: 15q26.1.
Variant type: single nucleotide variant.
Coding change: c.3557A>G on transcript NM_000057.4 (MANE Select); coding-DNA position 3557, A replaced by G.
Protein change: p.Lys1186Arg; replaces lysine 1186 with arginine.
Molecular consequence: missense variant. On other transcripts: intron variant (1).
Genome position (GRCh38, 1-based): chr15:90,803,719, A>G. VCF-style: chr15-90803719-A-G. GRCh37 (hg19) VCF-style: chr15-91346949-A-G.
Other names: c.3557A>G, p.Lys1186Arg (NM_001287246.2); c.2432A>G, p.Lys811Arg (NM_001287248.2); c.3358+5382A>G (NM_001287247.2); c.3557A>G (NM_000057.2); short protein forms K811R, K1186R.
Identifiers: ClinVar variation 1046201 (VCV001046201.10), dbSNP rs1897221872, ClinGen allele CA393847859.

ClinVar aggregate classification (germline): Uncertain significance. Review status: criteria provided, multiple submitters, no conflicts (2 of 4 stars). 2 submissions from 2 submitters: Uncertain significance (2). Last evaluated 2025-12-29.

Conditions:
Bloom syndrome (BLM). Also called: Bloom-Torre-Machacek syndrome. Identifiers: Orphanet 125, MedGen C0005859, MONDO:0008876, OMIM 210900.
Hereditary cancer-predisposing syndrome. Also called: Hereditary Cancer Syndrome; Neoplastic Syndromes, Hereditary; Tumor predisposition; Hereditary neoplastic syndrome. Identifiers: Orphanet 140162, MedGen C0027672, MeSH D009386, MONDO:0015356.

Submissions (2):

Ambry Genetics
Classification: Uncertain significance for Hereditary cancer-predisposing syndrome. Last evaluated: 2025-12-29. Review status: criteria provided, single submitter. Criteria: Ambry Variant Classification Scheme 2023. Collection method: clinical testing. Allele origin: germline.
Comment: The p.K1186R variant (also known as c.3557A>G), located in coding exon 17 of the BLM gene, results from an A to G substitution at nucleotide position 3557. The lysine at codon 1186 is replaced by arginine, an amino acid with highly similar properties. This amino acid position is conserved. In addition, this alteration is predicted to be tolerated by in silico analysis. Based on the available evidence, the clinical significance of this variant remains unclear.

Labcorp Genetics (formerly Invitae), Labcorp
Classification: Uncertain significance for Bloom syndrome. Last evaluated: 2022-03-08. Review status: criteria provided, single submitter. Criteria: Invitae Variant Classification Sherloc (09022015). Collection method: clinical testing. Allele origin: germline.
Comment: This sequence change replaces lysine, which is basic and polar, with arginine, which is basic and polar, at codon 1186 of the BLM protein (p.Lys1186Arg). This variant is not present in population databases (gnomAD no frequency). This variant has not been reported in the literature in individuals affected with BLM-related conditions. ClinVar contains an entry for this variant (Variation ID: 1046201). Algorithms developed to predict the effect of missense changes on protein structure and function are either unavailable or do not agree on the potential impact of this missense change (SIFT: "Tolerated"; PolyPhen-2: "Possibly Damaging"; Align-GVGD: "Class C0"). Algorithms developed to predict the effect of sequence changes on RNA splicing suggest that this variant may disrupt the consensus splice site. In summary, the available evidence is currently insufficient to determine the role of this variant in disease. Therefore, it has been classified as a Variant of Uncertain Significance.